The following is an entry in ClinVar:

ClinVar aggregate classification (germline): Likely benign. Review status: criteria provided, multiple submitters, no conflicts (2 of 4 stars). 6 submissions from 6 submitters: Likely benign (6). Last evaluated 2025-07-16.

Conditions:
Cardiomyopathy (CMYO). Also called: Cardiomyopathies. Identifiers: Orphanet 167848, MedGen C0878544, MONDO:0004994, HP:0001638. Inheritance: Various modes of inheritance.
Cardiovascular phenotype. Identifiers: MedGen CN230736.
Hypertrophic cardiomyopathy. Also called: HYPERTROPHIC MYOCARDIOPATHY. Identifiers: Orphanet 217569, MedGen C0007194, MeSH D002312, MONDO:0005045, HP:0001639.

Allele frequency attached by ClinVar (database versions not stated): gnomAD exomes 0.00001 and 0.00002; TOPMed 0.00001; ExAC 0.00003; gnomAD 0.00004 and 0.00005.
gnomAD v4.1: 25 of 1,612,548 alleles (0.0016%); highest among the groups gnomAD compares: Admixed American, 0.01%; no homozygotes.

Submissions (6):

Labcorp Genetics (formerly Invitae), Labcorp
Classification: Likely benign for Hypertrophic cardiomyopathy. Last evaluated: 2025-07-16. Review status: criteria provided, single submitter. Criteria: Invitae Variant Classification Sherloc (09022015). Collection method: clinical testing. Allele origin: germline.

Blueprint Genetics
Classification: Likely benign. Last evaluated: 2024-09-06. Review status: criteria provided, single submitter. Criteria: ACMG Guidelines, 2015. Collection method: clinical testing. Allele origin: germline.

All of Us Research Program, National Institutes of Health
Classification: Likely benign for Hypertrophic cardiomyopathy. Last evaluated: 2023-02-10. Review status: criteria provided, single submitter. Criteria: ACMG Guidelines, 2015. Collection method: clinical testing. Allele origin: germline. Inheritance: Autosomal dominant inheritance. Observed: 1 variant allele, 1 heterozygote.
Comment: This study involves interpretation of variants in research participants for the purpose of population health screening. Participant phenotype was not available at the time of variant classification. Additional details can be found in publication PMID: 35346344, PMCID: PMC8962531

CHEO Genetics Diagnostic Laboratory, Children's Hospital of Eastern Ontario
Classification: Likely benign for Cardiomyopathy. Last evaluated: 2021-11-01. Review status: criteria provided, single submitter. Criteria: ACMG Guidelines, 2015. Collection method: clinical testing. Allele origin: germline.

Color Diagnostics, LLC DBA Color Health
Classification: Likely benign for Cardiomyopathy. Last evaluated: 2018-11-27. Review status: criteria provided, single submitter. Criteria: ACMG Guidelines, 2015. Collection method: clinical testing. Allele origin: germline.

Ambry Genetics
Classification: Likely benign for Cardiovascular phenotype. Last evaluated: 2018-03-28. Review status: criteria provided, single submitter. Criteria: Ambry Variant Classification Scheme 2023. Collection method: clinical testing. Allele origin: germline.

NM_000256.3(MYBPC3):c.1590C>T (p.Ser530=)

Gene: MYBPC3 (myosin binding protein C3; minus strand). Cytogenetic location: 11p11.2.
Variant type: single nucleotide variant.
Coding change: c.1590C>T on transcript NM_000256.3 (MANE Select); coding-DNA position 1590, C replaced by T.
Protein change: p.Ser530=; no amino-acid change (serine 530 retained).
Molecular consequence: synonymous variant.
Genome position (GRCh38, 1-based): chr11:47,342,612, G>A on the plus strand (C>T on the coding strand, the complement: MYBPC3 is on the minus strand). VCF-style: chr11-47342612-G-A. GRCh37 (hg19) VCF-style: chr11-47364163-G-A.
Identifiers: ClinVar variation 927824 (VCV000927824.18), dbSNP rs763905291, ClinGen allele CA078186.